The following is an entry in ClinVar:

NM_006950.3(SYN1):c.1483G>A (p.Gly495Ser)

Gene: SYN1 (synapsin I; minus strand). Cytogenetic location: Xp11.3.
Variant type: single nucleotide variant.
Coding change: c.1483G>A on transcript NM_006950.3 (MANE Select); coding-DNA position 1483, G replaced by A.
Protein change: p.Gly495Ser; replaces glycine 495 with serine.
Molecular consequence: missense variant.
Genome position (GRCh38, 1-based): chrX:47,574,501, C>T on the plus strand (G>A on the coding strand, the complement: SYN1 is on the minus strand). VCF-style: chrX-47574501-C-T. GRCh37 (hg19) VCF-style: chrX-47433900-C-T.
Other names: c.1483G>A, p.Gly495Ser (NM_133499.2); short protein forms G495S.
Identifiers: ClinVar variation 1712689 (VCV001712689.2), dbSNP rs2519685047, ClinGen allele CA412823702.
Genomic context (GRCh38, chrX:47,574,501, plus strand): 5'-GCGCTGAGGTGGGACTTGGAAGGCGCTGGGGCAGGGGGCTGCCAGCTGGGGGTCCAAGGC[C>T]TGAAAGGTGCTGCTGGCCCTGCGGGGGCGGGCGCTGCTGCAATGGGGGTCCCTGGCGCTG-3'
Protein context (NP_008881.2, residues 485-505): PPPQGQQHLS[Gly495Ser]LGPPAGSPLP

ClinVar aggregate classification (germline): Uncertain significance (1 of 4 stars; one submission).

Allele frequency attached by ClinVar (database versions not stated): gnomAD exomes below 0.00001.
gnomAD v4.1: 1 of 1,079,780 alleles (0.000093%); highest among the groups gnomAD compares: Non-Finnish European, 0.00012%; no homozygotes.

Submission:

GeneDx
Classification: Uncertain significance. Last evaluated: 2022-04-29. Review status: criteria provided, single submitter. Criteria: GeneDx Variant Classification Process June 2021. Collection method: clinical testing. Allele origin: germline. Affected: yes.
Comment: Not observed at significant frequency in large population cohorts (gnomAD); In silico analysis supports that this missense variant does not alter protein structure/function; Has not been previously published as pathogenic or benign to our knowledge